The following is an entry in ClinVar:

NM_001354604.2(MITF):c.354+143G>A

Gene: MITF (melanocyte inducing transcription factor; plus strand). Cytogenetic location: 3p13.
Variant type: single nucleotide variant.
Coding change: c.354+143G>A on transcript NM_001354604.2 (MANE Select); 143 bases into the intron after coding-DNA position 354, G replaced by A.
Molecular consequence: intron variant.
Genome position (GRCh38, 1-based): chr3:69,879,526, G>A. VCF-style: chr3-69879526-G-A. GRCh37 (hg19) VCF-style: chr3-69928677-G-A.
Other names: c.303+143G>A (NM_001354607.2); c.198+143G>A (NM_001354608.2, NM_001184967.2); c.354+143G>A (NM_198159.3); c.351+143G>A (NM_001354605.2, NM_001354606.2, NM_006722.3); c.306+143G>A (NM_198177.3).
Identifiers: ClinVar variation 679757 (VCV000679757.3), dbSNP rs17006549, ClinGen allele CA76994022.
Genomic context (GRCh38, chr3:69,879,526, plus strand): 5'-ATTTTGTTAGACTGACCCTTCAGAATTATATTTGAAAACTCCAACTCCCTTAATTCTTAC[G>A]TGGCTTTATATTTTAAAAGAAGGATGCAAACGCATTGTAACTGTAATAGTAACAATCAGT-3'

ClinVar aggregate classification (germline): Benign (1 of 4 stars; one submission).

Allele frequency attached by ClinVar (database versions not stated): 1000 Genomes Project 30x 0.01952; gnomAD 0.01761; gnomAD exomes 0.00184; TOPMed 0.02055; 1000 Genomes Project 0.01897.
gnomAD v4.1: 5,258 of 1,414,766 alleles (0.37%); highest among the groups gnomAD compares: African/African-American, 6%; 139 homozygotes.

Submission:

GeneDx
Classification: Benign. Last evaluated: 2018-06-14. Review status: criteria provided, single submitter. Criteria: GeneDx Variant Classification (06012015). Collection method: clinical testing. Allele origin: germline. Affected: yes.
Comment: This variant is considered likely benign or benign based on one or more of the following criteria: it is a conservative change, it occurs at a poorly conserved position in the protein, it is predicted to be benign by multiple in silico algorithms, and/or has population frequency not consistent with disease.